The following is an entry in ClinVar:

ClinVar aggregate classification (germline): Uncertain significance (1 of 4 stars; one submission).

Conditions:
Cenani-Lenz syndactyly syndrome. Also called: SYNDACTYLY, TYPE VII; CENANI SYNDACTYLISM. Identifiers: Orphanet 3258, MedGen C1859309, MONDO:0008931, OMIM 212780.
Sclerosteosis 2 (SOST2). Identifiers: Orphanet 3152, MedGen C3280402, MONDO:0013679, OMIM 614305.
Congenital myasthenic syndrome 17. Identifiers: Orphanet 590, MedGen C4225377, MONDO:0014578, OMIM 616304.

Allele frequency attached by ClinVar (database versions not stated): gnomAD 0.00001; ExAC 0.00002; gnomAD exomes 0.00003.
gnomAD v4.1: 19 of 1,614,016 alleles (0.0012%); highest among the groups gnomAD compares: East Asian, 0.0045%; no homozygotes.

Submission:

Labcorp Genetics (formerly Invitae), Labcorp
Classification: Uncertain significance for Cenani-Lenz syndactyly syndrome; Sclerosteosis 2; Congenital myasthenic syndrome 17. Last evaluated: 2021-10-16. Review status: criteria provided, single submitter. Criteria: Invitae Variant Classification Sherloc (09022015). Collection method: clinical testing. Allele origin: germline.
Comment: In summary, the available evidence is currently insufficient to determine the role of this variant in disease. Therefore, it has been classified as a Variant of Uncertain Significance. Algorithms developed to predict the effect of missense changes on protein structure and function are either unavailable or do not agree on the potential impact of this missense change (SIFT: "Deleterious"; PolyPhen-2: "Possibly Damaging"; Align-GVGD: "Class C0"). This variant has not been reported in the literature in individuals affected with LRP4-related conditions. This variant is present in population databases (rs768904639, ExAC 0.009%). This sequence change replaces threonine with methionine at codon 271 of the LRP4 protein (p.Thr271Met). The threonine residue is highly conserved and there is a moderate physicochemical difference between threonine and methionine.

NM_002334.4(LRP4):c.812C>T (p.Thr271Met)

Gene: LRP4 (LDL receptor related protein 4; minus strand). Cytogenetic location: 11p11.2.
Variant type: single nucleotide variant.
Coding change: c.812C>T on transcript NM_002334.4 (MANE Select); coding-DNA position 812, C replaced by T.
Protein change: p.Thr271Met; replaces threonine 271 with methionine.
Molecular consequence: missense variant.
Genome position (GRCh38, 1-based): chr11:46,896,979, G>A on the plus strand (C>T on the coding strand, the complement: LRP4 is on the minus strand). VCF-style: chr11-46896979-G-A. GRCh37 (hg19) VCF-style: chr11-46918530-G-A.
Other names: short protein forms T271M.
Identifiers: ClinVar variation 1450252 (VCV001450252.6), dbSNP rs768904639, ClinGen allele CA5970360.